The following is an entry in ClinVar:

NM_198525.3(KIF7):c.3517+6C>T

Genes: KIF7 (kinesin family member 7; minus strand), LOC126862216 (BRD4-independent group 4 enhancer GRCh37_chr15:90171995-90173194; plus strand). Cytogenetic location: 15q26.1.
Variant type: single nucleotide variant.
Coding change: c.3517+6C>T on transcript NM_198525.3 (MANE Select); 6 bases into the intron after coding-DNA position 3517, C replaced by T.
Molecular consequence: intron variant.
Genome position (GRCh38, 1-based): chr15:89,629,369, G>A on the plus strand (C>T on the coding strand, the complement: KIF7 is on the minus strand). VCF-style: chr15-89629369-G-A. GRCh37 (hg19) VCF-style: chr15-90172600-G-A.
Other names: p.?.
Identifiers: ClinVar variation 129416 (VCV000129416.36), dbSNP rs74251725, ClinGen allele CA020367.
Genomic context (GRCh38, chr15:89,629,369, plus strand): 5'-CGGGGAAGATGGGGGTGGGGGGGATGGAGGGGGCCGGGGTTGTGAGCCATGGGCCGGGCT[G>A]CTCACCTCGACTCTGCTGCAGGAGCAGCTGCATGTTCTGCTCGTGCTCCTTCTGCTGCAG-3'

ClinVar aggregate classification (germline): Benign. Review status: criteria provided, multiple submitters, no conflicts (2 of 4 stars). 17 submissions from 15 submitters: Benign (11). 6 of the submissions do not count toward it. Last evaluated 2026-02-04.

Conditions:
Acrocallosal syndrome (ACLS). Also called: HALLUX DUPLICATION, POSTAXIAL POLYDACTYLY, AND ABSENCE OF CORPUS CALLOSUM; Schinzel syndrome 1; Absence of corpus callosum with unusual facial appearance, mental deficiency, duplication of the halluces and polydactyly. Identifiers: Orphanet 36, MedGen C0796147, MONDO:0008708, OMIM 200990.
Hydrolethalus syndrome 2 (HLS2). Identifiers: Orphanet 2189, MedGen C3279899, MONDO:0013585, OMIM 614120.
Multiple epiphyseal dysplasia, Al-Gazali type. Also called: Macrocephaly with multiple epiphyseal dysplasia and distinctive facies. Identifiers: Orphanet 166024, MedGen C1846722, MONDO:0011778, OMIM 607131.

Allele frequency attached by ClinVar (database versions not stated): TOPMed 0.25384; gnomAD 0.25419 and 0.26015; ESP Exome Variant Server 0.25842; 1000 Genomes Project 30x 0.27155; 1000 Genomes Project 0.27516; gnomAD exomes 0.30801; ExAC 0.31988.
gnomAD v4.1: 502,928 of 1,583,102 alleles (32%); highest among the groups gnomAD compares: Middle Eastern, 37%; 82,583 homozygotes.

Submissions (17):

Labcorp Genetics (formerly Invitae), Labcorp
Classification: Benign for Acrocallosal syndrome. Last evaluated: 2026-02-04. Review status: criteria provided, single submitter. Criteria: Invitae Variant Classification Sherloc (09022015). Collection method: clinical testing. Allele origin: germline.

Blueprint Genetics
Classification: Benign. Last evaluated: 2024-11-28. Review status: criteria provided, single submitter. Criteria: ACMG Guidelines, 2015. Collection method: clinical testing. Allele origin: germline.

Mayo Clinic Laboratories, Mayo Clinic
Classification: Benign. Last evaluated: 2022-03-09. Review status: criteria provided, single submitter. Criteria: ACMG Guidelines, 2015. Collection method: clinical testing. Allele origin: germline. Observed: 42 variant alleles.

Genome-Nilou Lab
Classification: Benign for Multiple epiphyseal dysplasia, Al-Gazali type. Last evaluated: 2021-08-19. Review status: criteria provided, single submitter. Criteria: ACMG Guidelines, 2015. Collection method: clinical testing. Allele origin: germline. Affected: no.

Genome-Nilou Lab
Classification: Benign for Hydrolethalus syndrome 2. Last evaluated: 2021-08-19. Review status: criteria provided, single submitter. Criteria: ACMG Guidelines, 2015. Collection method: clinical testing. Allele origin: germline. Affected: no.

Genome-Nilou Lab
Classification: Benign for Acrocallosal syndrome. Last evaluated: 2021-08-19. Review status: criteria provided, single submitter. Criteria: ACMG Guidelines, 2015. Collection method: clinical testing. Allele origin: germline. Affected: no.

Illumina Laboratory Services, Illumina
Classification: Benign for Acrocallosal syndrome. Last evaluated: 2018-01-12. Review status: criteria provided, single submitter. Criteria: ICSL Variant Classification Criteria 13 December 2019. Collection method: clinical testing. Allele origin: germline.
Comment: This variant was observed in the ICSL laboratory as part of a predisposition screen in an ostensibly healthy population. It had not been previously curated by ICSL or reported in the Human Gene Mutation Database (HGMD: prior to June 1st, 2018), and was therefore a candidate for classification through an automated scoring system. Utilizing variant allele frequency, disease prevalence and penetrance estimates, and inheritance mode, an automated score was calculated to assess if this variant is too frequent to cause the disease. Based on the score and internal cut-off values, a variant classified as benign is not then subjected to further curation. The score for this variant resulted in a classification of benign for this disease.

Eurofins Ntd Llc (ga)
Classification: Benign. Last evaluated: 2016-08-17. Review status: criteria provided, single submitter. Criteria: EGL Classification Definitions 2015. Collection method: clinical testing. Allele origin: germline. Observed: 4 variant alleles, 4 heterozygotes.

GeneDx
Classification: Benign. Last evaluated: 2015-03-03. Review status: criteria provided, single submitter. Criteria: GeneDx Variant Classification Process June 2021. Collection method: clinical testing. Allele origin: germline. Affected: yes.

Breakthrough Genomics
Classification: Benign. Review status: criteria provided, single submitter. Criteria: ACMG Guidelines, 2015. Collection method: not provided. Allele origin: germline. Inheritance: Autosomal recessive inheritance. Affected: yes.

PreventionGenetics, part of Exact Sciences
Classification: Benign. Review status: criteria provided, single submitter. Criteria: ACMG Guidelines, 2015. Collection method: clinical testing. Allele origin: germline.

Clinical Genetics DNA and cytogenetics Diagnostics Lab, Erasmus MC, Erasmus Medical Center
Classification: Benign. Review status: no assertion criteria provided. Collection method: clinical testing. Allele origin: germline. Affected: yes. Study: VKGL Data-share Consensus. Not counted in ClinVar's aggregate classification.

Clinical Genetics, Academic Medical Center
Classification: Benign. Review status: no assertion criteria provided. Collection method: clinical testing. Allele origin: germline. Affected: yes. Study: VKGL Data-share Consensus. Not counted in ClinVar's aggregate classification.

Diagnostic Laboratory, Department of Genetics, University Medical Center Groningen
Classification: Benign. Review status: no assertion criteria provided. Collection method: clinical testing. Allele origin: germline. Affected: yes. Study: VKGL Data-share Consensus. Not counted in ClinVar's aggregate classification.

Genetic Services Laboratory, University of Chicago
Classification: Likely benign for AllHighlyPenetrant. Review status: no assertion criteria provided. Collection method: clinical testing. Allele origin: germline. Inheritance: Autosomal recessive inheritance. Not counted in ClinVar's aggregate classification.
Comment: Likely benign based on allele frequency in 1000 Genomes Project or ESP global frequency and its presence in a patient with a rare or unrelated disease phenotype. NOT Sanger confirmed.

Genome Diagnostics Laboratory, University Medical Center Utrecht
Classification: Benign. Review status: no assertion criteria provided. Collection method: clinical testing. Allele origin: germline. Affected: yes. Study: VKGL Data-share Consensus. Not counted in ClinVar's aggregate classification.

Joint Genome Diagnostic Labs from Nijmegen and Maastricht, Radboudumc and MUMC+
Classification: Benign. Review status: no assertion criteria provided. Collection method: clinical testing. Allele origin: germline. Affected: yes. Study: VKGL Data-share Consensus. Not counted in ClinVar's aggregate classification.